The following is an entry in ClinVar:

NM_022124.6(CDH23):c.4488+2T>A

Gene: CDH23 (cadherin related 23; plus strand). Cytogenetic location: 10q22.1.
Variant type: single nucleotide variant.
Coding change: c.4488+2T>A on transcript NM_022124.6 (MANE Select); the canonical splice donor site of the intron after coding-DNA position 4488, T replaced by A.
Molecular consequence: splice donor variant.
Genome position (GRCh38, 1-based): chr10:71,739,774, T>A. VCF-style: chr10-71739774-T-A. GRCh37 (hg19) VCF-style: chr10-73499531-T-A.
Identifiers: ClinVar variation 3241035 (VCV003241035.2), dbSNP rs2494214598.

ClinVar aggregate classification (germline): Pathogenic/Likely pathogenic. Review status: criteria provided, multiple submitters, no conflicts (2 of 4 stars). 2 submissions from 2 submitters: Pathogenic (1); Likely pathogenic (1). Last evaluated 2025-01-09.

Conditions:
Pituitary adenoma 5, multiple types. Identifiers: MedGen C4539685, MONDO:0054601, OMIM 617540.
Autosomal recessive nonsyndromic hearing loss 12. Also called: DEAFNESS, AUTOSOMAL RECESSIVE 12. Identifiers: Orphanet 90636, MedGen C1832394, MONDO:0011067, OMIM 601386.

Submissions (2):

Institute of Rare Diseases, West China Hospital, Sichuan University
Classification: Pathogenic for Autosomal recessive nonsyndromic hearing loss 12. Last evaluated: 2025-01-09. Review status: criteria provided, single submitter. Criteria: ClinGen HL ACMG Specifications v1. Collection method: research. Allele origin: germline. Affected: yes.
Comment: PVS1;PM3;PM2_Supporting

Baylor Genetics
Classification: Likely pathogenic for Pituitary adenoma 5, multiple types. Last evaluated: 2024-03-29. Review status: criteria provided, single submitter. Criteria: ACMG Guidelines, 2015. Collection method: clinical testing. Allele origin: unknown.